The following is an entry in ClinVar:

ClinVar aggregate classification (germline): Pathogenic (1 of 4 stars; one submission).

Conditions:
Neuronal ceroid lipofuscinosis 7 (CLN7). Also called: MFSD8-Related Neuronal Ceroid-Lipofuscinosis. Identifiers: Orphanet 168491, Orphanet 228366, MedGen C1838571, MONDO:0012588, OMIM 610951.

Submission:

Labcorp Genetics (formerly Invitae), Labcorp
Classification: Pathogenic for Neuronal ceroid lipofuscinosis 7. Last evaluated: 2025-01-14. Review status: criteria provided, single submitter. Criteria: Invitae Variant Classification Sherloc (09022015). Collection method: clinical testing. Allele origin: germline.
Comment: This sequence change creates a premature translational stop signal (p.Ala252Serfs*5) in the MFSD8 gene. It is expected to result in an absent or disrupted protein product. Loss-of-function variants in MFSD8 are known to be pathogenic (PMID: 19177532, 25227500, 28586915). This variant is not present in population databases (gnomAD no frequency). This variant has not been reported in the literature in individuals affected with MFSD8-related conditions. For these reasons, this variant has been classified as Pathogenic.

Literature cited by the submitters: PubMed 19177532; PubMed 25227500; PubMed 28586915.

NM_001371596.2(MFSD8):c.753dup (p.Ala252fs)

Gene: MFSD8 (major facilitator superfamily domain containing 8; minus strand). Cytogenetic location: 4q28.2.
Variant type: Duplication.
Coding change: c.753dup on transcript NM_001371596.2 (MANE Select); coding-DNA position 753, one base duplicated (A; older notation c.753dupA).
Protein change: p.Ala252fs; shifts the reading frame from alanine 252.
Molecular consequence: frameshift variant. On other transcripts: intron variant (3).
Genome position (GRCh38, 1-based): chr4:127,938,784, T duplicated on the plus strand (A on the coding strand, the reverse complement: MFSD8 is on the minus strand); the first of 2 consecutive T bases (chr4:127,938,784-127,938,785); duplicating either gives the same sequence. VCF-style (leftmost placement, unchanged base first): chr4-127938783-C-CT. GRCh37 (hg19) VCF-style: chr4-128859938-C-CT.
Other names: c.618dup, p.Ala207fs (NM_001371590.2); c.753dup, p.Ala252fs (NM_001371591.2, NM_152778.4); c.759dup, p.Ala254fs (NM_001371592.2); c.639dup, p.Ala214fs (NM_001371593.2, NM_001410766.1); c.606dup, p.Ala203fs (NM_001371594.2); c.471dup, p.Ala158fs (NM_001371595.1); c.304+4968dup (NM_001410765.1); c.439+4968dup (NM_001363521.3); and 1 more; short protein forms A158fs, A203fs, A214fs, A207fs, A254fs, A252fs.
Identifiers: ClinVar variation 3668986 (VCV003668986.2).